The following is an entry in ClinVar:

NM_015978.3(TNNI3K):c.2157dup (p.Glu720fs)

Genes: FPGT-TNNI3K (FPGT-TNNI3K readthrough; plus strand), LRRC53 (leucine rich repeat containing 53; minus strand), TNNI3K (TNNI3 interacting kinase; plus strand). Cytogenetic location: 1p31.1.
Variant type: Duplication.
Coding change: c.2157dup on transcript NM_015978.3 (MANE Select); coding-DNA position 2157, one base duplicated (A; older notation c.2157dupA).
Protein change: p.Glu720fs; shifts the reading frame from glutamic acid 720.
Molecular consequence: frameshift variant. On other transcripts: intron variant (2).
Genome position (GRCh38, 1-based): chr1:74,489,224, A duplicated. VCF-style (leftmost placement, unchanged base first): chr1-74489223-T-TA. GRCh37 (hg19) VCF-style: chr1-74954907-T-TA.
Other names: c.2499dupA (NM_001112808.2); c.2460dup, p.Glu821fs (NM_001112808.3); c.-8-8256dup (NM_001364666.2); c.-26-5849dup (NM_001382280.1); short protein forms E720fs, E821fs.
Identifiers: ClinVar variation 930852 (VCV000930852.11), dbSNP rs754423974, ClinGen allele CA909794.

ClinVar aggregate classification (germline): Conflicting classifications of pathogenicity. Review status: criteria provided, conflicting classifications (1 of 4 stars). 5 submissions from 5 submitters: Uncertain significance (4); Likely benign (1). Last evaluated 2026-01-14.

Conditions:
Atrial conduction disease. Identifiers: Orphanet 436242, MedGen CN221670, MONDO:0014500.

Allele frequency attached by ClinVar (database versions not stated): gnomAD exomes 0.00026 and 0.00058; ExAC 0.00027; gnomAD 0.00027 and 0.00031; TOPMed 0.00030; ESP Exome Variant Server 0.00032.

Submissions (5):

Labcorp Genetics (formerly Invitae), Labcorp
Classification: Uncertain significance. Last evaluated: 2026-01-14. Review status: criteria provided, single submitter. Criteria: Invitae Variant Classification Sherloc (09022015). Collection method: clinical testing. Allele origin: germline.
Comment: This sequence change creates a premature translational stop signal (p.Glu720Argfs*8) in the TNNI3K gene. It is expected to result in an absent or disrupted protein product. However, the current clinical and genetic evidence is not sufficient to establish whether loss-of-function variants in TNNI3K cause disease. This variant is present in population databases (rs754423974, gnomAD 0.05%), and has an allele count higher than expected for a pathogenic variant. This variant has not been reported in the literature in individuals affected with TNNI3K-related conditions. ClinVar contains an entry for this variant (Variation ID: 930852). In summary, the available evidence is currently insufficient to determine the role of this variant in disease. Therefore, it has been classified as a Variant of Uncertain Significance.

Blueprint Genetics
Classification: Likely benign. Last evaluated: 2024-07-16. Review status: criteria provided, single submitter. Criteria: ACMG Guidelines, 2015. Collection method: clinical testing. Allele origin: germline.

Genome-Nilou Lab
Classification: Uncertain significance for Cardiac conduction disease with or without dilated cardiomyopathy 1. Last evaluated: 2023-04-11. Review status: criteria provided, single submitter. Criteria: ACMG Guidelines, 2015. Collection method: clinical testing. Allele origin: germline. Affected: no.

Centre for Mendelian Genomics, University Medical Centre Ljubljana
Classification: Uncertain significance. Last evaluated: 2019-11-18. Review status: criteria provided, single submitter. Criteria: ACMG Guidelines, 2015. Collection method: clinical testing. Allele origin: unknown. Affected: yes.
Comment: This variant was classified as: Uncertain significance. The available evidence on this variant's pathogenicity is insufficient or conflicting. The following ACMG criteria were applied in classifying this variant: No criteria apply.

Breakthrough Genomics
Classification: Uncertain significance. Review status: criteria provided, single submitter. Criteria: ACMG Guidelines, 2015. Collection method: not provided. Allele origin: germline. Inheritance: Autosomal dominant inheritance. Affected: yes.